The following is an entry in ClinVar:

NM_000051.4(ATM):c.8024G>A (p.Gly2675Glu)

Genes: ATM (ATM serine/threonine kinase; plus strand), C11orf65 (chromosome 11 open reading frame 65; minus strand). Cytogenetic location: 11q22.3.
Variant type: single nucleotide variant.
Coding change: c.8024G>A on transcript NM_000051.4 (MANE Select); coding-DNA position 8024, G replaced by A.
Protein change: p.Gly2675Glu; replaces glycine 2675 with glutamic acid.
Molecular consequence: missense variant. On other transcripts: intron variant (2).
Genome position (GRCh38, 1-based): chr11:108,334,982, G>A. VCF-style: chr11-108334982-G-A. GRCh37 (hg19) VCF-style: chr11-108205709-G-A.
Other names: c.8024G>A, p.Gly2675Glu (NM_001351834.2); c.641-25911C>T (NM_001330368.2); c.*38+238C>T (NM_001351110.2); short protein forms G2675E.
Identifiers: ClinVar variation 2724872 (VCV002724872.4), dbSNP rs2136653616, ClinGen allele CA382561863.

ClinVar aggregate classification (germline): Uncertain significance. Review status: criteria provided, multiple submitters, no conflicts (2 of 4 stars). 2 submissions from 2 submitters: Uncertain significance (2). Last evaluated 2026-04-22.

Conditions:
Hereditary cancer-predisposing syndrome. Also called: Tumor predisposition; Neoplastic Syndromes, Hereditary; Hereditary Cancer Syndrome; Hereditary neoplastic syndrome. Identifiers: Orphanet 140162, MedGen C0027672, MeSH D009386, MONDO:0015356.
Ataxia-telangiectasia syndrome (AT). Also called: LOUIS-BAR SYNDROME; Cerebello-oculocutaneous telangiectasia; Immunodeficiency with ataxia telangiectasia; Ataxia telangiectasia (A-T); Ataxia-telangiectasia, complementation group D; AT, COMPLEMENTATION GROUP C. Identifiers: Orphanet 100, MedGen C0004135, MONDO:0008840, OMIM 208900.

Submissions (2):

Ambry Genetics
Classification: Uncertain significance for Hereditary cancer-predisposing syndrome. Last evaluated: 2026-04-22. Review status: criteria provided, single submitter. Criteria: Ambry Variant Classification Scheme 2023. Collection method: clinical testing. Allele origin: germline.
Comment: The p.G2675E variant (also known as c.8024G>A), located in coding exon 54 of the ATM gene, results from a G to A substitution at nucleotide position 8024. The glycine at codon 2675 is replaced by glutamic acid, an amino acid with similar properties. In an assay testing ATM function, this variant showed a functionally abnormal result (Lee KS et al. Cell, 2025 Sep;188:5081-5099.e27). This amino acid position is highly conserved in available vertebrate species. In addition, the in silico prediction for this alteration is inconclusive. Based on the available evidence, the clinical significance of this variant remains unclear.

Labcorp Genetics (formerly Invitae), Labcorp
Classification: Uncertain significance for Ataxia-telangiectasia syndrome. Last evaluated: 2023-06-22. Review status: criteria provided, single submitter. Criteria: Invitae Variant Classification Sherloc (09022015). Collection method: clinical testing. Allele origin: germline.
Comment: This sequence change replaces glycine, which is neutral and non-polar, with glutamic acid, which is acidic and polar, at codon 2675 of the ATM protein (p.Gly2675Glu). This variant is not present in population databases (gnomAD no frequency). This variant has not been reported in the literature in individuals affected with ATM-related conditions. An algorithm developed to predict the effect of missense changes on protein structure and function (PolyPhen-2) suggests that this variant is likely to be disruptive. In summary, the available evidence is currently insufficient to determine the role of this variant in disease. Therefore, it has been classified as a Variant of Uncertain Significance.

Literature cited by the submitters: PubMed 40580951 (cited by Ambry Genetics).